The following is an entry in ClinVar:

NM_000117.3(EMD):c.646G>A (p.Gly216Arg)

Gene: EMD (emerin; plus strand). Cytogenetic location: Xq28.
Variant type: single nucleotide variant.
Coding change: c.646G>A on transcript NM_000117.3 (MANE Select); coding-DNA position 646, G replaced by A.
Protein change: p.Gly216Arg; replaces glycine 216 with arginine.
Molecular consequence: missense variant.
Genome position (GRCh38, 1-based): chrX:154,381,078, G>A. VCF-style: chrX-154381078-G-A. GRCh37 (hg19) VCF-style: chrX-153609438-G-A.
Other names: short protein forms G216R.
Identifiers: ClinVar variation 42278 (VCV000042278.25), dbSNP rs147920229, ClinGen allele CA131136.
Genomic context (GRCh38, chrX:154,381,078, plus strand): 5'-TCTTCCTCTTCATGGCTCACCCGCCGTGCCATCCGGCCTGAAAACCGTGCTCCTGGGGCT[G>A]GGCTGGGCCAGGATCGCCAGGTCCCGCTCTGGGGCCAGCTGCTGCTTTTCCTGGTCTTTG-3'
Protein context (NP_000108.1, residues 206-226): IRPENRAPGA[Gly216Arg]LGQDRQVPLW

ClinVar aggregate classification (germline): Conflicting classifications of pathogenicity. Review status: criteria provided, conflicting classifications (1 of 4 stars). 7 submissions from 7 submitters: Uncertain significance (2); Likely benign (4). 1 of the submissions does not count toward it. Last evaluated 2026-03-23.

Conditions:
Cardiovascular phenotype. Identifiers: MedGen CN230736.
Emery-Dreifuss muscular dystrophy 1, X-linked (EDMD1). Also called: SCAPULOPERONEAL SYNDROME, X-LINKED; HUMEROPERONEAL NEUROMUSCULAR DISEASE; EMD-Related Emery-Dreifuss Muscular Dystrophy, X-Linked; Muscular dystrophy, tardive, Dreifuss-Emery type, with contractures. Identifiers: MedGen CN375556, MONDO:0100531, OMIM 310300.
X-linked Emery-Dreifuss muscular dystrophy. Also called: Muscular dystrophy, tardive Emery-Dreifuss type, with contractures. Identifiers: Orphanet 261, Orphanet 98863, MedGen C0751337, MONDO:0010680.

Allele frequency attached by ClinVar (database versions not stated): 1000 Genomes Project 0.00026; gnomAD 0.00026; TOPMed 0.00036; ExAC 0.00010; 1000 Genomes Project 30x 0.00042; ESP Exome Variant Server 0.00047; gnomAD exomes 0.00004 and 0.00009.
gnomAD v4.1: 78 of 1,210,833 alleles (0.0064%); highest among the groups gnomAD compares: African/African-American, 0.12%; 1 homozygote.

Submissions (7):

Women's Health and Genetics/Laboratory Corporation of America, LabCorp
Classification: Likely benign. Last evaluated: 2026-03-23. Review status: criteria provided, single submitter. Criteria: LabCorp Variant Classification Summary - May 2015. Collection method: clinical testing. Allele origin: germline.
Comment: Variant summary: EMD c.646G>A (p.Gly216Arg) results in a non-conservative amino acid change in the encoded protein sequence. Algorithms developed to predict the effect of missense changes on protein structure and function are either unavailable or do not agree on the potential impact of this missense change. The variant allele was found at a frequency of 8.7e-05 in 183021 control chromosomes, predominantly at a frequency of 0.0012 within the African or African-American subpopulation in the gnomAD database, including 1 homozygote and 2 hemizygotes. The observed variant frequency within African or African-American control individuals in the gnomAD database exceeds the estimated maximal expected allele frequency for disease-causing variants in EMD. c.646G>A has been observed in at least one individual affected with dilated cardiomyopathy, without strong evidence of causality (example: Pugh_2014). This report does not provide unequivocal conclusions about association of the variant with EMD-related disorders. To our knowledge, no experimental evidence demonstrating an impact on protein function has been reported. The following publication has been ascertained in the context of this evaluation (PMID: 24503780). ClinVar contains an entry for this variant (Variation ID: 42278). Based on the evidence outlined above, the variant was classified as likely benign.

Labcorp Genetics (formerly Invitae), Labcorp
Classification: Likely benign for X-linked Emery-Dreifuss muscular dystrophy. Last evaluated: 2026-01-08. Review status: criteria provided, single submitter. Criteria: Invitae Variant Classification Sherloc (09022015). Collection method: clinical testing. Allele origin: germline.

Revvity Omics, Revvity
Classification: Uncertain significance for Emery-Dreifuss muscular dystrophy 1, X-linked. Last evaluated: 2023-08-23. Review status: criteria provided, single submitter. Criteria: ACMG Guidelines, 2015. Collection method: clinical testing. Allele origin: germline.

Ambry Genetics
Classification: Likely benign for Cardiovascular phenotype. Last evaluated: 2020-08-25. Review status: criteria provided, single submitter. Criteria: Ambry Variant Classification Scheme 2023. Collection method: clinical testing. Allele origin: germline.

GeneDx
Classification: Likely benign. Last evaluated: 2018-11-05. Review status: criteria provided, single submitter. Criteria: GeneDx Variant Classification Process June 2021. Collection method: clinical testing. Allele origin: germline. Affected: yes.
Comment: This variant is associated with the following publications: (PMID: 24503780)

Eurofins Ntd Llc (ga)
Classification: Uncertain significance. Last evaluated: 2018-04-16. Review status: criteria provided, single submitter. Criteria: EGL ClinVar v180209 classification definitions. Collection method: clinical testing. Allele origin: germline. Observed: 1 variant allele, 1 heterozygote.

Laboratory for Molecular Medicine, Mass General Brigham Personalized Medicine
Classification: Uncertain significance. Last evaluated: 2009-05-29. Review status: no assertion criteria provided. Collection method: clinical testing. Allele origin: germline. Observed: 1 variant allele. Not counted in ClinVar's aggregate classification.

Literature cited by the submitters: PubMed 24503780 (cited by Women's Health and Genetics/Laboratory Corporation of America, LabCorp).